The following is an entry in ClinVar:

NM_003000.3(SDHB):c.700C>T (p.Leu234=)

Gene: SDHB (succinate dehydrogenase complex iron sulfur subunit B; minus strand). Cytogenetic location: 1p36.13.
Variant type: single nucleotide variant.
Coding change: c.700C>T on transcript NM_003000.3 (MANE Select); coding-DNA position 700, C replaced by T.
Protein change: p.Leu234=; no amino-acid change (leucine 234 retained).
Molecular consequence: synonymous variant.
Genome position (GRCh38, 1-based): chr1:17,022,673, G>A on the plus strand (C>T on the coding strand, the complement: SDHB is on the minus strand). VCF-style: chr1-17022673-G-A. GRCh37 (hg19) VCF-style: chr1-17349168-G-A.
Identifiers: ClinVar variation 293809 (VCV000293809.57), dbSNP rs201728852, ClinGen allele CA089712.

ClinVar aggregate classification (germline): Conflicting classifications of pathogenicity. Review status: criteria provided, conflicting classifications (1 of 4 stars). 13 submissions from 12 submitters: Uncertain significance (1); Benign (1); Likely benign (11). Last evaluated 2025-12-19.

Conditions:
Pheochromocytoma. Also called: MAX-Related Hereditary Paraganglioma-Pheochromocytoma Syndrome. Identifiers: Orphanet 29072, MedGen C0031511, MONDO:0008233, OMIM 171300, HP:0002666.
Pheochromocytoma/paraganglioma syndrome 4. Also called: Paragangliomas 4; SDHB-Related Hereditary Paraganglioma-Pheochromocytoma Syndrome; CAROTID BODY TUMORS AND MULTIPLE EXTRAADRENAL PHEOCHROMOCYTOMAS; PARAGANGLIOMA, FAMILIAL MALIGNANT; PARAGANGLIOMAS, HEREDITARY EXTRAADRENAL; PHEOCHROMOCYTOMA, FAMILIAL EXTRAADRENAL. Identifiers: Orphanet 29072, MedGen C1861848, MONDO:0007273, OMIM 115310.
Gastrointestinal stromal tumor. Also called: Gastrointestinal stromal tumor, somatic; Gastrointestinal stroma tumor. Identifiers: Orphanet 44890, MedGen C0238198, MeSH D046152, MONDO:0011719, OMIM 606764, HP:0100723.
Hereditary cancer-predisposing syndrome. Also called: Hereditary Cancer Syndrome; Tumor predisposition; Neoplastic Syndromes, Hereditary; Hereditary neoplastic syndrome. Identifiers: Orphanet 140162, MedGen C0027672, MeSH D009386, MONDO:0015356.
Cowden syndrome (CS). Also called: Cowden's disease; Cowden's syndrome; Cowden disease. Identifiers: Orphanet 201, MedGen C0018553, MONDO:0016063. Disease mechanism: gain of function.
Hereditary pheochromocytoma and paraganglioma. Also called: Hereditary Paraganglioma-Pheochromocytoma Syndromes; Hereditary paragangliomas and pheochromocytomas; Hereditary pheochromocytoma-paraganglioma. Identifiers: Orphanet 29072, MedGen C4274332, MONDO:0017366.
Carney-Stratakis syndrome. Also called: PARAGANGLIOMA AND GASTROINTESTINAL STROMAL TUMOR. Identifiers: Orphanet 97286, MedGen C1847319, MONDO:0011740, OMIM 606864.

Allele frequency attached by ClinVar (database versions not stated): gnomAD 0.00001 and 0.00008; TOPMed 0.00002; gnomAD exomes 0.00008 and 0.00014; ExAC 0.00018; 1000 Genomes Project 30x 0.00031; 1000 Genomes Project 0.00040.
gnomAD v4.1: 121 of 1,614,030 alleles (0.0075%); highest among the groups gnomAD compares: South Asian, 0.13%; 1 homozygote.

Submissions (13):

Labcorp Genetics (formerly Invitae), Labcorp
Classification: Likely benign for Gastrointestinal stromal tumor; Pheochromocytoma/paraganglioma syndrome 4; Pheochromocytoma. Last evaluated: 2025-12-19. Review status: criteria provided, single submitter. Criteria: Invitae Variant Classification Sherloc (09022015). Collection method: clinical testing. Allele origin: germline.

Myriad Genetics, Inc.
Classification: Benign for Pheochromocytoma/paraganglioma syndrome 4. Last evaluated: 2025-03-13. Review status: criteria provided, single submitter. Criteria: Myriad Autosomal Dominant, Autosomal Recessive and X-Linked Classification Criteria (2023). Collection method: clinical testing. Allele origin: unknown.
Comment: This variant is considered benign. This variant is a silent/synonymous amino acid change and it is not expected to impact splicing.

All of Us Research Program, National Institutes of Health
Classification: Likely benign for Hereditary pheochromocytoma and paraganglioma. Last evaluated: 2023-12-13. Review status: criteria provided, single submitter. Criteria: ACMG Guidelines, 2015. Collection method: clinical testing. Allele origin: germline. Inheritance: Autosomal dominant inheritance. Observed: 9 variant alleles, 9 heterozygotes.
Comment: This study involves interpretation of variants in research participants for the purpose of population health screening. Participant phenotype was not available at the time of variant classification. Additional details can be found in publication PMID: 35346344, PMCID: PMC8962531

KCCC/NGS Laboratory, Kuwait Cancer Control Center
Classification: Likely benign for Pheochromocytoma/paraganglioma syndrome 4. Last evaluated: 2023-07-07. Review status: criteria provided, single submitter. Criteria: ACMG Guidelines, 2015. Collection method: clinical testing. Allele origin: germline. Affected: yes.

Color Diagnostics, LLC DBA Color Health
Classification: Likely benign for Hereditary pheochromocytoma and paraganglioma. Last evaluated: 2022-11-06. Review status: criteria provided, single submitter. Criteria: ACMG Guidelines, 2015. Collection method: clinical testing. Allele origin: germline.

Department of Pathology and Laboratory Medicine, Sinai Health System
Classification: Likely benign for Cowden syndrome. Last evaluated: 2022-07-27. Review status: criteria provided, single submitter. Criteria: ACMG Guidelines, 2015. Collection method: clinical testing. Allele origin: germline. Affected: yes.

GeneDx
Classification: Uncertain significance. Last evaluated: 2022-07-02. Review status: criteria provided, single submitter. Criteria: GeneDx Variant Classification Process June 2021. Collection method: clinical testing. Allele origin: germline. Affected: yes.
Comment: In silico analysis supports that this variant does not alter splicing; Identified in individuals with pheochromocytoma or paraganglioma (Ben Aim et al., 2019); Also known as p.L206=; This variant is associated with the following publications: (PMID: 30877234)

Blueprint Genetics
Classification: Likely benign. Last evaluated: 2022-01-14. Review status: criteria provided, single submitter. Criteria: ACMG Guidelines, 2015. Collection method: clinical testing. Allele origin: germline.

CeGaT Center for Human Genetics Tuebingen
Classification: Likely benign. Last evaluated: 2022-01-01. Review status: criteria provided, single submitter. Criteria: CeGaT Center For Human Genetics Tuebingen Variant Classification Criteria Version 2. Collection method: clinical testing. Allele origin: germline. Affected: yes. Observed: 1 variant allele.

Sema4
Classification: Likely benign for Hereditary cancer-predisposing syndrome. Last evaluated: 2021-05-17. Review status: criteria provided, single submitter. Criteria: Sema4 Curation Guidelines. Collection method: curation. Allele origin: germline.

Illumina Laboratory Services, Illumina
Classification: Likely benign for Hereditary Paraganglioma-Pheochromocytoma Syndromes. Last evaluated: 2017-04-27. Review status: criteria provided, single submitter. Criteria: ICSL Variant Classification Criteria 13 December 2019. Collection method: clinical testing. Allele origin: germline.
Comment: This variant was observed as part of a predisposition screen in an ostensibly healthy population. A literature search was performed for the gene, cDNA change, and amino acid change (where applicable). No publications were found based on this search. Allele frequency data from public databases allowed determination this variant is unlikely to cause disease. Therefore, this variant is classified as likely benign.

Illumina Laboratory Services, Illumina
Classification: Likely benign for Carney-Stratakis syndrome. Last evaluated: 2017-04-27. Review status: criteria provided, single submitter. Criteria: ICSL Variant Classification Criteria 13 December 2019. Collection method: clinical testing. Allele origin: germline.
Comment: the same text as in the submission from Illumina Laboratory Services, Illumina above.

Ambry Genetics
Classification: Likely benign for Hereditary cancer-predisposing syndrome. Last evaluated: 2017-01-23. Review status: criteria provided, single submitter. Criteria: Ambry Variant Classification Scheme 2023. Collection method: clinical testing. Allele origin: germline.